The following is an entry in ClinVar:

ClinVar aggregate classification (germline): Benign. Review status: criteria provided, multiple submitters, no conflicts (2 of 4 stars). 4 submissions from 4 submitters: Benign (3). 1 of the submissions does not count toward it. Last evaluated 2026-02-04.

Conditions:
KMT2B-related disorder. Also called: KMT2B-related disorders; KMT2B-related condition. Identifiers: MedGen CN381338.

Allele frequency attached by ClinVar (database versions not stated): ESP Exome Variant Server 0.08108; gnomAD 0.10307 and 0.10396; 1000 Genomes Project 0.10443; 1000 Genomes Project 30x 0.10603; gnomAD exomes 0.11093; ExAC 0.12882.
gnomAD v4.1: 147,156 of 1,470,316 alleles (10%); highest among the groups gnomAD compares: South Asian, 11%; 8,034 homozygotes.

Submissions (4):

Labcorp Genetics (formerly Invitae), Labcorp
Classification: Benign. Last evaluated: 2026-02-04. Review status: criteria provided, single submitter. Criteria: Invitae Variant Classification Sherloc (09022015). Collection method: clinical testing. Allele origin: germline.

GeneDx
Classification: Benign. Last evaluated: 2018-06-15. Review status: criteria provided, single submitter. Criteria: GeneDx Variant Classification (06012015). Collection method: clinical testing. Allele origin: germline. Affected: yes.
Comment: This variant is considered likely benign or benign based on one or more of the following criteria: it is a conservative change, it occurs at a poorly conserved position in the protein, it is predicted to be benign by multiple in silico algorithms, and/or has population frequency not consistent with disease.

Breakthrough Genomics
Classification: Benign. Review status: criteria provided, single submitter. Criteria: ACMG Guidelines, 2015. Collection method: not provided. Allele origin: germline. Inheritance: Autosomal dominant inheritance. Affected: yes.

PreventionGenetics, part of Exact Sciences
Classification: Benign for KMT2B-related condition. Last evaluated: 2019-11-18. Review status: no assertion criteria provided. Collection method: clinical testing. Allele origin: germline. Not counted in ClinVar's aggregate classification.
Comment: This variant is classified as benign based on ACMG/AMP sequence variant interpretation guidelines (Richards et al. 2015 PMID: 25741868, with internal and published modifications).

NM_014727.3(KMT2B):c.6711C>A (p.Gly2237=)

Gene: KMT2B (lysine methyltransferase 2B; plus strand). Cytogenetic location: 19q13.12.
Variant type: single nucleotide variant.
Coding change: c.6711C>A on transcript NM_014727.3 (MANE Select); coding-DNA position 6711, C replaced by A.
Protein change: p.Gly2237=; no amino-acid change (glycine 2237 retained).
Molecular consequence: synonymous variant.
Genome position (GRCh38, 1-based): chr19:35,733,260, C>A. VCF-style: chr19-35733260-C-A. GRCh37 (hg19) VCF-style: chr19-36224161-C-A.
Identifiers: ClinVar variation 673318 (VCV000673318.12), dbSNP rs112013670, ClinGen allele CA9385739.